The following is an entry in ClinVar:

NM_004415.4(DSP):c.6718C>G (p.Gln2240Glu)

Gene: DSP (desmoplakin; plus strand). Cytogenetic location: 6p24.3.
Variant type: single nucleotide variant.
Coding change: c.6718C>G on transcript NM_004415.4 (MANE Select); coding-DNA position 6718, C replaced by G.
Protein change: p.Gln2240Glu; replaces glutamine 2240 with glutamic acid.
Molecular consequence: missense variant.
Genome position (GRCh38, 1-based): chr6:7,583,980, C>G. VCF-style: chr6-7583980-C-G. GRCh37 (hg19) VCF-style: chr6-7584213-C-G.
Other names: c.4921C>G, p.Gln1641Glu (NM_001008844.3); c.5389C>G, p.Gln1797Glu (NM_001319034.2); c.6718C>G (NM_004415.3, LRG_423t1); short protein forms Q2240E, Q1797E, Q1641E.
Identifiers: ClinVar variation 534298 (VCV000534298.19), dbSNP rs374262024, ClinGen allele CA048279.

ClinVar aggregate classification (germline): Conflicting classifications of pathogenicity. Review status: criteria provided, conflicting classifications (1 of 4 stars). 7 submissions from 7 submitters: Uncertain significance (5); Likely benign (2). Last evaluated 2025-10-12.

Conditions:
Cardiovascular phenotype. Identifiers: MedGen CN230736.
Arrhythmogenic cardiomyopathy with wooly hair and keratoderma. Also called: Dilated cardiomyopathy with woolly hair and keratoderma; Arrhythmogenic cardiomyopathy with woolly hair and keratoderma; Carvajal syndrome; PALMOPLANTAR KERATODERMA WITH LEFT VENTRICULAR CARDIOMYOPATHY AND WOOLLY HAIR. Identifiers: Orphanet 65282, MedGen C1854063, MONDO:0011581, OMIM 605676.
Arrhythmogenic right ventricular dysplasia 8 (ARVD8). Also called: Arrhythmogenic Right Ventricular Dysplasia/Cardiomyopathy 8; ARRHYTHMOGENIC RIGHT VENTRICULAR DYSPLASIA, FAMILIAL, 8; ARRHYTHMOGENIC RIGHT VENTRICULAR CARDIOMYOPATHY 8. Identifiers: MedGen C1843896, MONDO:0011831, OMIM 607450.
Cardiomyopathy, dilated, with wooly hair, keratoderma, and tooth agenesis. Also called: Erythrokeratodermia-cardiomyopathy syndrome; Cardiomyopathy, dilated, with woolly hair, keratoderma, and tooth agenesis. Identifiers: Orphanet 476096, Orphanet 65282, MedGen C4014393, MONDO:0014355, OMIM 615821.
Lethal acantholytic epidermolysis bullosa (EBLA). Identifiers: Orphanet 158687, MedGen C1864826, MONDO:0012323, OMIM 609638.
Keratosis palmoplantaris striata 2. Also called: KERATODERMA, PALMOPLANTAR, STRIATE FORM II; STRIATE PALMOPLANTAR KERATODERMA II; Keratosis palmoplantaris striata II. Identifiers: MedGen C1852127, MONDO:0013034, OMIM 612908.
Woolly hair-skin fragility syndrome (WHSF). Identifiers: Orphanet 293165, MedGen C1843292, MONDO:0957307, OMIM 620415.
DSP-related disorder. Also called: DSP-related condition; DSP-related disorders.
Cardiomyopathy (CMYO). Also called: Cardiomyopathies. Identifiers: Orphanet 167848, MedGen C0878544, MONDO:0004994, HP:0001638. Inheritance: Various modes of inheritance.

Allele frequency attached by ClinVar (database versions not stated): TOPMed 0.00003; gnomAD exomes 0.00005; ExAC 0.00006; ESP Exome Variant Server 0.00008.
gnomAD v4.1: 53 of 1,613,992 alleles (0.0033%); highest among the groups gnomAD compares: Non-Finnish European, 0.0041%; no homozygotes.

Submissions (7):

PreventionGenetics, part of Exact Sciences
Classification: Uncertain significance for DSP-related condition. Last evaluated: 2025-10-12. Review status: criteria provided, single submitter. Criteria: ACMG Guidelines, 2015. Collection method: clinical testing. Allele origin: germline.
Comment: The DSP c.6718C>G variant is predicted to result in the amino acid substitution p.Gln2240Glu. To our knowledge, this variant has not been reported in the literature. This variant is reported in 0.0097% of alleles in individuals of European (Non-Finnish) descent in gnomAD. At this time, the clinical significance of this variant is uncertain due to the absence of conclusive functional and genetic evidence.

Labcorp Genetics (formerly Invitae), Labcorp
Classification: Likely benign for Arrhythmogenic cardiomyopathy with wooly hair and keratoderma; Arrhythmogenic right ventricular dysplasia 8. Last evaluated: 2025-08-20. Review status: criteria provided, single submitter. Criteria: Invitae Variant Classification Sherloc (09022015). Collection method: clinical testing. Allele origin: germline.

Ambry Genetics
Classification: Likely benign for Cardiovascular phenotype. Last evaluated: 2025-08-14. Review status: criteria provided, single submitter. Criteria: Ambry Variant Classification Scheme 2023. Collection method: clinical testing. Allele origin: germline.

Color Diagnostics, LLC DBA Color Health
Classification: Uncertain significance for Cardiomyopathy. Last evaluated: 2024-06-12. Review status: criteria provided, single submitter. Criteria: ACMG Guidelines, 2015. Collection method: clinical testing. Allele origin: germline.
Comment: This missense variant replaces glutamine with glutamic acid at codon 2240 of the DSP protein. Computational prediction suggests that this variant may not impact protein structure and function (internally defined REVEL score threshold <= 0.5, PMID: 27666373). Splice site prediction tools suggest that this variant may not impact RNA splicing. To our knowledge, functional studies have not been reported for this variant. This variant has not been reported in individuals affected with cardiovascular disorders in the literature. This variant has been identified in 12/251402 chromosomes in the general population by the Genome Aggregation Database (gnomAD). The available evidence is insufficient to determine the role of this variant in disease conclusively. Therefore, this variant is classified as a Variant of Uncertain Significance.

GeneDx
Classification: Uncertain significance. Last evaluated: 2023-09-26. Review status: criteria provided, single submitter. Criteria: GeneDx Variant Classification Process June 2021. Collection method: clinical testing. Allele origin: germline. Affected: yes.
Comment: In silico analysis supports that this missense variant does not alter protein structure/function; Has not been previously published as pathogenic or benign to our knowledge

Blueprint Genetics
Classification: Uncertain significance. Last evaluated: 2022-04-20. Review status: criteria provided, single submitter. Criteria: ACMG Guidelines, 2015. Collection method: clinical testing. Allele origin: germline.

Fulgent Genetics
Classification: Uncertain significance for Arrhythmogenic cardiomyopathy with wooly hair and keratoderma; Arrhythmogenic right ventricular dysplasia 8; Lethal acantholytic epidermolysis bullosa; Keratosis palmoplantaris striata 2; Cardiomyopathy, dilated, with wooly hair, keratoderma, and tooth agenesis. Last evaluated: 2021-09-29. Review status: criteria provided, single submitter. Criteria: ACMG Guidelines, 2015. Collection method: clinical testing. Allele origin: unknown.